The following is an entry in ClinVar:

NM_020778.5(ALPK3):c.1589G>A (p.Arg530Gln)

Genes: ALPK3 (alpha kinase 3; plus strand), LOC111718493 (skeletal muscle cis-regulatory module overlapping ALPK3; plus strand). Cytogenetic location: 15q25.3.
Variant type: single nucleotide variant.
Coding change: c.1589G>A on transcript NM_020778.5 (MANE Select); coding-DNA position 1589, G replaced by A.
Protein change: p.Arg530Gln; replaces arginine 530 with glutamine.
Molecular consequence: missense variant.
Genome position (GRCh38, 1-based): chr15:84,840,868, G>A. VCF-style: chr15-84840868-G-A. GRCh37 (hg19) VCF-style: chr15-85384099-G-A.
Other names: short protein forms R530Q.
Identifiers: ClinVar variation 1328085 (VCV001328085.15), dbSNP rs150733634, ClinGen allele CA7709226.

ClinVar aggregate classification (germline): Conflicting classifications of pathogenicity. Review status: criteria provided, conflicting classifications (1 of 4 stars). 7 submissions from 7 submitters: Uncertain significance (3); Likely benign (2). 2 of the submissions do not count toward it. Last evaluated 2026-04-07.

Conditions:
ALPK3-related disorder. Also called: ALPK3-related condition.
Cardiovascular phenotype. Identifiers: MedGen CN230736.

Allele frequency attached by ClinVar (database versions not stated): ESP Exome Variant Server 0.00023; 1000 Genomes Project 30x 0.00031; 1000 Genomes Project 0.00040; gnomAD 0.00018 and 0.00021.
gnomAD v4.1: 63 of 1,613,776 alleles (0.0039%); highest among the groups gnomAD compares: African/African-American, 0.064%; no homozygotes.

Submissions (7):

PreventionGenetics, part of Exact Sciences
Classification: Uncertain significance for ALPK3-related condition. Last evaluated: 2026-04-07. Review status: criteria provided, single submitter. Criteria: ACMG Guidelines, 2015. Collection method: clinical testing. Allele origin: germline.
Comment: The ALPK3 c.2195G>A variant is predicted to result in the amino acid substitution p.Arg732Gln. This variant has been reported in an individual with hypertrophic cardiomyopathy (Online Supplementary File 2, van Lint et al. 2019. PubMed ID: 30847666). This variant is reported in 0.057% of alleles in individuals of African descent in gnomAD. Although we suspect that this variant may be benign, at this time, the clinical significance of this variant is uncertain due to the absence of conclusive functional and genetic evidence.

Molecular Diagnostic Laboratory for Inherited Cardiovascular Disease, Montreal Heart Institute
Classification: Likely benign. Last evaluated: 2026-03-27. Review status: criteria provided, single submitter. Criteria: ACMG Guidelines, 2015. Collection method: clinical testing. Allele origin: germline. Affected: no.
Comment: BS1;BP4

Labcorp Genetics (formerly Invitae), Labcorp
Classification: Uncertain significance. Last evaluated: 2026-01-09. Review status: criteria provided, single submitter. Criteria: Invitae Variant Classification Sherloc (09022015). Collection method: clinical testing. Allele origin: germline.
Comment: This sequence change replaces arginine, which is basic and polar, with glutamine, which is neutral and polar, at codon 732 of the ALPK3 protein (p.Arg732Gln). This variant is present in population databases (rs150733634, gnomAD 0.06%). This variant has not been reported in the literature in individuals affected with ALPK3-related conditions. ClinVar contains an entry for this variant (Variation ID: 1328085). Invitae Evidence Modeling of protein sequence and biophysical properties (such as structural, functional, and spatial information, amino acid conservation, physicochemical variation, residue mobility, and thermodynamic stability) has been performed for this missense variant. However, the output from this modeling did not meet the statistical confidence thresholds required to predict the impact of this variant on ALPK3 protein function. In summary, the available evidence is currently insufficient to determine the role of this variant in disease. Therefore, it has been classified as a Variant of Uncertain Significance.

Ambry Genetics
Classification: Uncertain significance for Cardiovascular phenotype. Last evaluated: 2025-09-28. Review status: criteria provided, single submitter. Criteria: Ambry Variant Classification Scheme 2023. Collection method: clinical testing. Allele origin: germline.
Comment: The p.R732Q variant (also known as c.2195G>A), located in coding exon 5 of the ALPK3 gene, results from a G to A substitution at nucleotide position 2195. The arginine at codon 732 is replaced by glutamine, an amino acid with highly similar properties. This variant has been detected in a cardiomyopathy/arrhythmia genetic testing cohort in an individual reported to have hypertrophic cardiomyopathy; however, clinical details were limited, and additional cardiac variants were detected (van Lint FHM et al. Neth Heart J., 2019 Jun;27:304-309). This amino acid position is highly conserved in available vertebrate species. In addition, this alteration is predicted to be tolerated by in silico analysis. Since supporting evidence is limited at this time, the clinical significance of this alteration remains unclear.

Blueprint Genetics
Classification: Likely benign. Last evaluated: 2023-12-14. Review status: criteria provided, single submitter. Criteria: ACMG Guidelines, 2015. Collection method: clinical testing. Allele origin: germline.

Clinical Genetics, Academic Medical Center
Classification: Uncertain significance. Review status: no assertion criteria provided. Collection method: clinical testing. Allele origin: germline. Affected: yes. Study: VKGL Data-share Consensus. Not counted in ClinVar's aggregate classification.

Diagnostic Laboratory, Department of Genetics, University Medical Center Groningen
Classification: Uncertain significance. Review status: no assertion criteria provided. Collection method: clinical testing. Allele origin: germline. Affected: yes. Study: VKGL Data-share Consensus. Not counted in ClinVar's aggregate classification.

Literature cited by the submitters: PubMed 30847666 (cited by Ambry Genetics).